The following is an entry in ClinVar:

ClinVar aggregate classification (germline): Uncertain significance (1 of 4 stars; one submission).

Conditions:
Adams-Oliver syndrome 5 (AOS5). Identifiers: Orphanet 974, MedGen C4014970, MONDO:0014459, OMIM 616028.

gnomAD v4.1: 16 of 1,605,484 alleles (0.001%); highest among the groups gnomAD compares: South Asian, 0.0022%; no homozygotes.

Submission:

Labcorp Genetics (formerly Invitae), Labcorp
Classification: Uncertain significance for Adams-Oliver syndrome 5. Last evaluated: 2025-11-13. Review status: criteria provided, single submitter. Criteria: Invitae Variant Classification Sherloc (09022015). Collection method: clinical testing. Allele origin: germline.
Comment: This sequence change replaces arginine, which is basic and polar, with cysteine, which is neutral and slightly polar, at codon 1302 of the NOTCH1 protein (p.Arg1302Cys). The frequency data for this variant in the population databases is considered unreliable, as metrics indicate poor data quality at this position in the gnomAD database. This variant has not been reported in the literature in individuals affected with NOTCH1-related conditions. An algorithm developed to predict the effect of missense changes on protein structure and function (PolyPhen-2) suggests that this variant is likely to be disruptive. In summary, the available evidence is currently insufficient to determine the role of this variant in disease. Therefore, it has been classified as a Variant of Uncertain Significance.

NM_017617.5(NOTCH1):c.3904C>T (p.Arg1302Cys)

Gene: NOTCH1 (notch receptor 1; minus strand). Cytogenetic location: 9q34.3.
Variant type: single nucleotide variant.
Coding change: c.3904C>T on transcript NM_017617.5 (MANE Select); coding-DNA position 3904, C replaced by T.
Protein change: p.Arg1302Cys; replaces arginine 1302 with cysteine.
Molecular consequence: missense variant.
Genome position (GRCh38, 1-based): chr9:136,506,637, G>A on the plus strand (C>T on the coding strand, the complement: NOTCH1 is on the minus strand). VCF-style: chr9-136506637-G-A. GRCh37 (hg19) VCF-style: chr9-139401089-G-A.
Other names: short protein forms R1302C.
Identifiers: ClinVar variation 4803534 (VCV004803534.1).